The following is an entry in ClinVar:

NM_007294.4(BRCA1):c.1763_1764delinsTT (p.Ser588Ile)

Gene: BRCA1 (BRCA1 DNA repair associated; minus strand). Cytogenetic location: 17q21.31.
Variant type: Indel.
Coding change: c.1763_1764delinsTT on transcript NM_007294.4 (MANE Select); coding-DNA positions 1763 to 1764, GC replaced by TT.
Protein change: p.Ser588Ile; replaces serine 588 with isoleucine.
Molecular consequence: missense variant. On other transcripts: intron variant (137).
Genome position (GRCh38, 1-based): chr17:43,093,767-43,093,768, GC replaced by AA on the plus strand (GC replaced by TT on the coding strand, the reverse complement: BRCA1 is on the minus strand). VCF-style: chr17-43093767-GC-AA. GRCh37 (hg19) VCF-style: chr17-41245784-GC-AA.
Other names: (p.Ser588Ile); c.1550_1551delinsTT, p.Ser517Ile (NM_001407571.1, NM_001407898.1, NM_001407899.1 and 9 more transcripts); c.1763_1764delinsTT, p.Ser588Ile (NM_001407581.1, NM_001407582.1, NM_001407583.1 and 30 more transcripts); c.1760_1761delinsTT, p.Ser587Ile (NM_001407587.1, NM_001407590.1, NM_001407591.1 and 22 more transcripts); c.1685_1686delinsTT, p.Ser562Ile (NM_001407655.1, NM_001407656.1, NM_001407657.1 and 4 more transcripts); c.1682_1683delinsTT, p.Ser561Ile (NM_001407659.1, NM_001407660.1, NM_001407661.1 and 1 more transcripts); c.1637_1638delinsTT, p.Ser546Ile (NM_001407673.1, NM_001407691.1, NM_001407941.1 and 11 more transcripts); c.1640_1641delinsTT, p.Ser547Ile (NM_001407674.1, NM_001407675.1, NM_001407676.1 and 19 more transcripts); and 41 more; short protein forms S541I, S588I, S292I, S461I, S476I, S420I, S499I, S546I.
Identifiers: ClinVar variation 438915 (VCV000438915.23), dbSNP rs1555591274, ClinGen allele CA645509516.

ClinVar aggregate classification (germline): Conflicting classifications of pathogenicity. Review status: criteria provided, conflicting classifications (1 of 4 stars). 7 submissions from 7 submitters: Uncertain significance (5); Benign (1); Likely benign (1). Last evaluated 2025-12-09.

Conditions:
Breast-ovarian cancer, familial, susceptibility to, 2 (BROVCA2). Also called: BRCA2 Hereditary Breast and Ovarian Cancer. Identifiers: Orphanet 145, MedGen C2675520, MONDO:0012933, OMIM 612555. Disease mechanism: loss of function.
Hereditary cancer-predisposing syndrome. Also called: Hereditary Cancer Syndrome; Hereditary neoplastic syndrome; Tumor predisposition; Neoplastic Syndromes, Hereditary. Identifiers: Orphanet 140162, MedGen C0027672, MeSH D009386, MONDO:0015356.
BRCA1-related disorder. Also called: BRCA1-related condition.
Hereditary breast ovarian cancer syndrome. Also called: Hereditary breast and ovarian cancer syndrome; BRCA1- and BRCA2-Associated Hereditary Breast and Ovarian Cancer; Hereditary breast and ovarian cancer syndrome (HBOC); Hereditary breast and/or ovarian cancer syndrome; Hereditary breast and ovarian cancer; Breast and ovarian cancer. Identifiers: Orphanet 145, MedGen C0677776, MeSH D061325, MONDO:0003582. Disease mechanism: loss of function.

Submissions (7):

Ambry Genetics
Classification: Uncertain significance for Hereditary cancer-predisposing syndrome. Last evaluated: 2025-12-09. Review status: criteria provided, single submitter. Criteria: Ambry Variant Classification Scheme 2023. Collection method: clinical testing. Allele origin: germline.
Comment: The c.1763_1764delGCinsTT variant (also known as p.S588I), located in coding exon 9 of the BRCA1 gene, results from an in-frame deletion of GC and insertion of TT at nucleotide positions 1763 to 1764. This results in the substitution of the serine residue for an isoleucine residue at codon 588, an amino acid with dissimilar properties. This amino acid position is well conserved in available vertebrate species. In addition, the in silico prediction for this alteration is inconclusive (Choi Y et al. PLoS ONE. 2012; 7(10):e46688). Based on the available evidence, the clinical significance of this variant remains unclear.

Labcorp Genetics (formerly Invitae), Labcorp
Classification: Uncertain significance for Hereditary breast ovarian cancer syndrome. Last evaluated: 2025-10-07. Review status: criteria provided, single submitter. Criteria: Invitae Variant Classification Sherloc (09022015). Collection method: clinical testing. Allele origin: germline.
Comment: This sequence change replaces serine, which is neutral and polar, with isoleucine, which is neutral and non-polar, at codon 588 of the BRCA1 protein (p.Ser588Ile). Information on the frequency of this variant in the gnomAD database is not available, as this variant may be reported differently in the database. This missense change has been observed in individual(s) with hereditary breast and ovarian cancer (PMID: 34026625). ClinVar contains an entry for this variant (Variation ID: 438915). An algorithm developed to predict the effect of missense changes on protein structure and function (PolyPhen-2) suggests that this variant is likely to be disruptive. In summary, the available evidence is currently insufficient to determine the role of this variant in disease. Therefore, it has been classified as a Variant of Uncertain Significance.

Dipartimento Di Medicina Di Precisione, Università Degli Studi Della Campania Luigi Vanvitelli
Classification: Benign for Breast-ovarian cancer, familial, susceptibility to, 2. Last evaluated: 2025-07-17. Review status: criteria provided, single submitter. Criteria: ACMG Guidelines, 2015. Collection method: clinical testing. Allele origin: germline. Inheritance: Autosomal dominant inheritance. Affected: yes. Observed: 1 heterozygote.
Comment: The BRCA1 variant c.1763_1764delinsTT (p.Ser588Ile), located in exon 12, has been classified as benign based on in silico evidence indicating no deleterious effect on protein function, as well as its allele frequency consistent with a benign variant in population databases. No impact on splicing or protein function has been observed. Therefore, this variant is considered benign according to ACMG/AMP guidelines.

University of Washington Department of Laboratory Medicine, University of Washington
Classification: Likely benign for Hereditary cancer-predisposing syndrome. Last evaluated: 2023-03-23. Review status: criteria provided, single submitter. Criteria: Dines et al. (Genet Med. 2020). Collection method: curation. Allele origin: germline.
Comment: Missense variant in a coldspot region where missense variants are very unlikely to be pathogenic (PMID:31911673).

BRCA1 coldspot (exon 11 using historical exon numbering). Reclassification based on statistical prior probability

PreventionGenetics, part of Exact Sciences
Classification: Uncertain significance for BRCA1-related condition. Last evaluated: 2022-09-12. Review status: criteria provided, single submitter. Criteria: ACMG Guidelines, 2015. Collection method: clinical testing. Allele origin: germline.
Comment: The BRCA1 c.1763_1764delinsTT variant is predicted to result in an in-frame deletion and insertion. This variant was reported in an individual with hereditary breast and/or ovarian cancer (Table S2 in Doddato et al 2021. PubMed ID: 34026625). This variant has not been reported in a large population database, indicating this variant is rare. This variant has been interpreted as uncertain in ClinVar. At this time, the clinical significance of this variant is uncertain due to the absence of conclusive functional and genetic evidence.

Color Diagnostics, LLC DBA Color Health
Classification: Uncertain significance for Hereditary cancer-predisposing syndrome. Last evaluated: 2019-04-23. Review status: criteria provided, single submitter. Criteria: ACMG Guidelines, 2015. Collection method: clinical testing. Allele origin: germline.

Quest Diagnostics Nichols Institute San Juan Capistrano
Classification: Uncertain significance. Last evaluated: 2016-09-20. Review status: criteria provided, single submitter. Criteria: Quest Diagnostics criteria. Collection method: clinical testing. Allele origin: germline.

Literature cited by the submitters: PubMed 34026625 (cited by Labcorp Genetics (formerly Invitae), Labcorp); DOI 10.3390/ijms26135928 (cited by Dipartimento Di Medicina Di Precisione, Università Degli Studi Della Campania Luigi Vanvitelli).